The following is an entry in ClinVar:

ClinVar aggregate classification (germline): Uncertain significance. Review status: criteria provided, multiple submitters, no conflicts (2 of 4 stars). 8 submissions from 7 submitters: Uncertain significance (7). 1 of the submissions does not count toward it. Last evaluated 2026-02-16.

Conditions:
CDH23-related disorder. Also called: CDH23-related disorders; CDH23-related condition.
Inborn genetic diseases. Identifiers: MedGen C0950123, MeSH D030342.
Usher syndrome type 1 (USH1). Also called: RETINITIS PIGMENTOSA AND CONGENITAL DEAFNESS. Identifiers: Orphanet 231169, Orphanet 886, MedGen C1568247, MONDO:0010168, OMIM 276900.
Autosomal recessive nonsyndromic hearing loss 12. Also called: DEAFNESS, AUTOSOMAL RECESSIVE 12. Identifiers: Orphanet 90636, MedGen C1832394, MONDO:0011067, OMIM 601386.
Usher syndrome type 1D (USH1D). Also called: USHER SYNDROME, TYPE ID. Identifiers: Orphanet 231169, Orphanet 886, MedGen C1832845, MONDO:0010984, OMIM 601067.

Allele frequency attached by ClinVar (database versions not stated): gnomAD 0.00001.
gnomAD v4.1: 5 of 1,605,370 alleles (0.00031%); highest among the groups gnomAD compares: African/African-American, 0.0013%; no homozygotes.

Submissions (8):

PreventionGenetics, part of Exact Sciences
Classification: Uncertain significance for CDH23-related condition. Last evaluated: 2026-02-16. Review status: criteria provided, single submitter. Criteria: ACMG Guidelines, 2015. Collection method: clinical testing. Allele origin: germline.
Comment: The CDH23 c.3092G>C variant is predicted to result in the amino acid substitution p.Ser1031Thr. To our knowledge, this variant has not been reported in the literature. This variant is reported in 0.011% of alleles in individuals of African descent in gnomAD. At this time, the clinical significance of this variant is uncertain due to the absence of conclusive functional and genetic evidence.

Ambry Genetics
Classification: Uncertain significance for Inborn genetic diseases. Last evaluated: 2022-11-08. Review status: criteria provided, single submitter. Criteria: Ambry Variant Classification Scheme 2023. Collection method: clinical testing. Allele origin: germline.

Labcorp Genetics (formerly Invitae), Labcorp
Classification: Uncertain significance. Last evaluated: 2022-10-25. Review status: criteria provided, single submitter. Criteria: Invitae Variant Classification Sherloc (09022015). Collection method: clinical testing. Allele origin: germline.
Comment: This sequence change replaces serine, which is neutral and polar, with threonine, which is neutral and polar, at codon 1031 of the CDH23 protein (p.Ser1031Thr). This variant is present in population databases (rs397517320, gnomAD 0.01%). This variant has not been reported in the literature in individuals affected with CDH23-related conditions. ClinVar contains an entry for this variant (Variation ID: 45909). Advanced modeling of protein sequence and biophysical properties (such as structural, functional, and spatial information, amino acid conservation, physicochemical variation, residue mobility, and thermodynamic stability) performed at Invitae indicates that this missense variant is not expected to disrupt CDH23 protein function. In summary, the available evidence is currently insufficient to determine the role of this variant in disease. Therefore, it has been classified as a Variant of Uncertain Significance.

ARUP Laboratories, Molecular Genetics and Genomics, ARUP Laboratories
Classification: Uncertain significance. Last evaluated: 2018-01-23. Review status: criteria provided, single submitter. Criteria: ARUP Molecular Germline Variant Investigation Process. Collection method: clinical testing. Allele origin: germline.
Comment: The p.Ser1031Thr variant (rs397517320) has not been reported in the medical literature, gene specific variation databases, nor has it been previously identified by our laboratory. This variant is listed in the Genome Aggregation Database (gnomAD) identified on a single chromosome out of 30,944, and has been reported to the ClinVar database as a variant of uncertain significance (Variation ID: 45909). The serine at position 1031 is highly conserved up to zebrafish considering 12 species (Alamut v2.10) and computational analyses of the effects of the p.Ser1031Thr variant on protein structure and function provide conflicting results (SIFT:tolerated, MutationTaster: disease causing, PolyPhen-2:possibly damaging). Altogether, there is not enough evidence to classify the p.Ser1031Thr variant with certainty.

Illumina Laboratory Services, Illumina
Classification: Uncertain significance for Autosomal recessive nonsyndromic hearing loss 12. Last evaluated: 2018-01-12. Review status: criteria provided, single submitter. Criteria: ICSL Variant Classification Criteria 13 December 2019. Collection method: clinical testing. Allele origin: germline.

Illumina Laboratory Services, Illumina
Classification: Uncertain significance for Usher syndrome type 1D. Last evaluated: 2018-01-12. Review status: criteria provided, single submitter. Criteria: ICSL Variant Classification Criteria 13 December 2019. Collection method: clinical testing. Allele origin: germline.

Laboratory for Molecular Medicine, Mass General Brigham Personalized Medicine
Classification: Uncertain significance. Last evaluated: 2014-08-11. Review status: criteria provided, single submitter. Criteria: LMM Criteria. Collection method: clinical testing. Allele origin: germline. Observed: 2 variant alleles.
Comment: The Ser1031Thr variant in CDH23 has not been previously reported in individuals with hearing loss and was absent from large population studies. Computational pr ediction tools and conservation analysis suggest that this variant may impact th e protein, though this information is not predictive enough to determine pathoge nicity. In summary, the clinical significance of the Ser1031Thr variant is uncer tain.

Natera, Inc.
Classification: Uncertain significance for Usher syndrome type 1. Last evaluated: 2020-09-16. Review status: no assertion criteria provided. Collection method: clinical testing. Allele origin: germline. Not counted in ClinVar's aggregate classification.

NM_022124.6(CDH23):c.3092G>C (p.Ser1031Thr)

Gene: CDH23 (cadherin related 23; plus strand). Cytogenetic location: 10q22.1.
Variant type: single nucleotide variant.
Coding change: c.3092G>C on transcript NM_022124.6 (MANE Select); coding-DNA position 3092, G replaced by C.
Protein change: p.Ser1031Thr; replaces serine 1031 with threonine.
Molecular consequence: missense variant.
Genome position (GRCh38, 1-based): chr10:71,707,035, G>C. VCF-style: chr10-71707035-G-C. GRCh37 (hg19) VCF-style: chr10-73466792-G-C.
Other names: c.3092G>C, p.Ser1031Thr (NM_001171930.2, NM_001171931.2); short protein forms S1031T.
Identifiers: ClinVar variation 45909 (VCV000045909.23), dbSNP rs397517320, ClinGen allele CA137355.